The following is an entry in ClinVar:

ClinVar aggregate classification (germline): Uncertain significance (1 of 4 stars; one submission).

Conditions:
Neuropathy, hereditary sensory and autonomic, type 2A (HSAN2A). Also called: HSAN IIA; WNK1-Related HSAN2 (HSAN2A); ACROOSTEOLYSIS, GIACCAI TYPE; ACROOSTEOLYSIS, NEUROGENIC; MORVAN DISEASE; NEUROPATHY, CONGENITAL SENSORY. Identifiers: Orphanet 970, MedGen C2752089, MONDO:0024309, OMIM 201300.
Pseudohypoaldosteronism type 2C (PHA2C). Also called: Pseudohypoaldosteronism Type IIC. Identifiers: Orphanet 757, Orphanet 88940, MedGen C1840391, MONDO:0013778, OMIM 614492.

Allele frequency attached by ClinVar (database versions not stated): TOPMed 0.00002; ExAC 0.00008.
gnomAD v4.1: 19 of 1,593,362 alleles (0.0012%); highest among the groups gnomAD compares: Non-Finnish European, 0.0014%; no homozygotes.

Submission:

Labcorp Genetics (formerly Invitae), Labcorp
Classification: Uncertain significance for Neuropathy, hereditary sensory and autonomic, type 2A; Pseudohypoaldosteronism type 2C. Last evaluated: 2023-05-05. Review status: criteria provided, single submitter. Criteria: Invitae Variant Classification Sherloc (09022015). Collection method: clinical testing. Allele origin: germline.
Comment: In summary, the available evidence is currently insufficient to determine the role of this variant in disease. Therefore, it has been classified as a Variant of Uncertain Significance. Advanced modeling of protein sequence and biophysical properties (such as structural, functional, and spatial information, amino acid conservation, physicochemical variation, residue mobility, and thermodynamic stability) performed at Invitae indicates that this missense variant is not expected to disrupt WNK1 protein function. This variant has not been reported in the literature in individuals affected with WNK1-related conditions. This variant is present in population databases (rs751326754, gnomAD 0.005%). This sequence change replaces serine, which is neutral and polar, with cysteine, which is neutral and slightly polar, at codon 158 of the WNK1 protein (p.Ser158Cys).

NM_018979.4(WNK1):c.472A>T (p.Ser158Cys)

Gene: WNK1 (WNK lysine deficient protein kinase 1; plus strand). Cytogenetic location: 12p13.33.
Variant type: single nucleotide variant.
Coding change: c.472A>T on transcript NM_018979.4 (MANE Select); coding-DNA position 472, A replaced by T.
Protein change: p.Ser158Cys; replaces serine 158 with cysteine.
Molecular consequence: missense variant.
Genome position (GRCh38, 1-based): chr12:754,037, A>T. VCF-style: chr12-754037-A-T. GRCh37 (hg19) VCF-style: chr12-863203-A-T.
Other names: c.472A>T, p.Ser158Cys (NM_001184985.2, NM_014823.3, NM_213655.5); short protein forms S158C.
Identifiers: ClinVar variation 2949144 (VCV002949144.3), dbSNP rs751326754, ClinGen allele CA6381797.
Genomic context (GRCh38, chr12:754,037, plus strand): 5'-CCAGCCGCTGCCGCCCCTGGGGAACAGGCCGTCGCGGGCCCTGCCCCCTCGACTGTCCCC[A>T]GCAGTACCAGCAAAGACCGCCCAGTGTCCCAGCCTAGCCTTGTGGGGAGCAAAGAGGAGC-3'
Protein context (NP_061852.3, residues 148-168): VAGPAPSTVP[Ser158Cys]STSKDRPVSQ